The following is an entry in ClinVar:

ClinVar aggregate classification (germline): Uncertain significance. Review status: criteria provided, multiple submitters, no conflicts (2 of 4 stars). 2 submissions from 2 submitters: Uncertain significance (2). Last evaluated 2025-07-03.

gnomAD v4.1: 1 of 1,614,206 alleles (0.000062%); highest among the groups gnomAD compares: Non-Finnish European, 0.000085%; no homozygotes.

Submissions (2):

Labcorp Genetics (formerly Invitae), Labcorp
Classification: Uncertain significance. Last evaluated: 2025-07-03. Review status: criteria provided, single submitter. Criteria: Invitae Variant Classification Sherloc (09022015). Collection method: clinical testing. Allele origin: germline.
Comment: This sequence change replaces isoleucine, which is neutral and non-polar, with threonine, which is neutral and polar, at codon 4295 of the USH2A protein (p.Ile4295Thr). This variant is not present in population databases (gnomAD no frequency). This variant has not been reported in the literature in individuals affected with USH2A-related conditions. Invitae Evidence Modeling of protein sequence and biophysical properties (such as structural, functional, and spatial information, amino acid conservation, physicochemical variation, residue mobility, and thermodynamic stability) has been performed for this missense variant. However, the output from this modeling did not meet the statistical confidence thresholds required to predict the impact of this variant on USH2A protein function. In summary, the available evidence is currently insufficient to determine the role of this variant in disease. Therefore, it has been classified as a Variant of Uncertain Significance.

Blueprint Genetics
Classification: Uncertain significance. Last evaluated: 2020-04-24. Review status: criteria provided, single submitter. Criteria: ACMG Guidelines, 2015. Collection method: clinical testing. Allele origin: germline.

NM_206933.4(USH2A):c.12884T>C (p.Ile4295Thr)

Gene: USH2A (usherin; minus strand). Cytogenetic location: 1q41.
Variant type: single nucleotide variant.
Coding change: c.12884T>C on transcript NM_206933.4 (MANE Select); coding-DNA position 12884, T replaced by C.
Protein change: p.Ile4295Thr; replaces isoleucine 4295 with threonine.
Molecular consequence: missense variant.
Genome position (GRCh38, 1-based): chr1:215,675,027, A>G on the plus strand (T>C on the coding strand, the complement: USH2A is on the minus strand). VCF-style: chr1-215675027-A-G. GRCh37 (hg19) VCF-style: chr1-215848369-A-G.
Other names: short protein forms I4295T.
Identifiers: ClinVar variation 4690613 (VCV004690613.2).